The following is an entry in ClinVar:

NM_007347.5(AP4E1):c.2033C>T (p.Ala678Val)

Gene: AP4E1 (adaptor related protein complex 4 subunit epsilon 1; plus strand). Cytogenetic location: 15q21.2.
Variant type: single nucleotide variant.
Coding change: c.2033C>T on transcript NM_007347.5 (MANE Select); coding-DNA position 2033, C replaced by T.
Protein change: p.Ala678Val; replaces alanine 678 with valine.
Molecular consequence: missense variant.
Genome position (GRCh38, 1-based): chr15:50,984,088, C>T. VCF-style: chr15-50984088-C-T. GRCh37 (hg19) VCF-style: chr15-51276285-C-T.
Other names: c.1808C>T, p.Ala603Val (NM_001252127.2); c.2033C>T (NM_007347.3); short protein forms A678V, A603V.
Identifiers: ClinVar variation 1364883 (VCV001364883.7), dbSNP rs760833457, ClinGen allele CA7559235.

ClinVar aggregate classification (germline): Uncertain significance. Review status: criteria provided, multiple submitters, no conflicts (2 of 4 stars). 2 submissions from 2 submitters: Uncertain significance (2). Last evaluated 2022-09-13.

Conditions:
Inborn genetic diseases. Identifiers: MedGen C0950123, MeSH D030342.
Spastic paraplegia. Identifiers: MedGen C0037772, HP:0001258.

Allele frequency attached by ClinVar (database versions not stated): gnomAD 0.00002; TOPMed 0.00002.
gnomAD v4.1: 31 of 1,613,326 alleles (0.0019%); highest among the groups gnomAD compares: Non-Finnish European, 0.0025%; no homozygotes.

Submissions (2):

Labcorp Genetics (formerly Invitae), Labcorp
Classification: Uncertain significance for Spastic paraplegia. Last evaluated: 2022-09-13. Review status: criteria provided, single submitter. Criteria: Invitae Variant Classification Sherloc (09022015). Collection method: clinical testing. Allele origin: germline.
Comment: This sequence change replaces alanine, which is neutral and non-polar, with valine, which is neutral and non-polar, at codon 678 of the AP4E1 protein (p.Ala678Val). This variant is present in population databases (rs760833457, gnomAD 0.002%). This variant has not been reported in the literature in individuals affected with AP4E1-related conditions. ClinVar contains an entry for this variant (Variation ID: 1364883). Algorithms developed to predict the effect of missense changes on protein structure and function are either unavailable or do not agree on the potential impact of this missense change (SIFT: "Deleterious"; PolyPhen-2: "Possibly Damaging"; Align-GVGD: "Class C0"). In summary, the available evidence is currently insufficient to determine the role of this variant in disease. Therefore, it has been classified as a Variant of Uncertain Significance.

Ambry Genetics
Classification: Uncertain significance for Inborn genetic diseases. Last evaluated: 2021-07-06. Review status: criteria provided, single submitter. Criteria: Ambry Variant Classification Scheme 2023. Collection method: clinical testing. Allele origin: germline.